The following is an entry in ClinVar:

NM_016373.4(WWOX):c.641T>A (p.Phe214Tyr)

Gene: WWOX (WW domain containing oxidoreductase; plus strand). Cytogenetic location: 16q23.1.
Variant type: single nucleotide variant.
Coding change: c.641T>A on transcript NM_016373.4 (MANE Select); coding-DNA position 641, T replaced by A.
Protein change: p.Phe214Tyr; replaces phenylalanine 214 with tyrosine.
Molecular consequence: missense variant.
Genome position (GRCh38, 1-based): chr16:78,424,905, T>A. VCF-style: chr16-78424905-T-A. GRCh37 (hg19) VCF-style: chr16-78458802-T-A.
Other names: c.302T>A, p.Phe101Tyr (NM_001291997.2); short protein forms F101Y, F214Y.
Identifiers: ClinVar variation 948856 (VCV000948856.10), dbSNP rs1474238209, ClinGen allele CA396842730.

ClinVar aggregate classification (germline): Uncertain significance (1 of 4 stars; one submission).

Conditions:
Developmental and epileptic encephalopathy, 1 (DEE1). Also called: INFANTILE SPASM SYNDROME, X-LINKED 1; Epileptic encephalopathy, early infantile, 1; X-linked infantile spasms; West's syndrome; Tonic spasms with clustering, arrest of psychomotor development and hypsarrhythmia on EEG; X-Linked Infantile Spasm Syndrome. Identifiers: MedGen C3463992, MONDO:0010632, OMIM 308350. Disease mechanism: loss of function.
Autosomal recessive spinocerebellar ataxia 12. Also called: SPINOCEREBELLAR ATAXIA WITH MENTAL RETARDATION AND EPILEPSY. Identifiers: Orphanet 284282, MedGen C3280452, MONDO:0013687, OMIM 614322.

Submission:

Labcorp Genetics (formerly Invitae), Labcorp
Classification: Uncertain significance for Developmental and epileptic encephalopathy, 1; Autosomal recessive spinocerebellar ataxia 12. Last evaluated: 2022-02-04. Review status: criteria provided, single submitter. Criteria: Invitae Variant Classification Sherloc (09022015). Collection method: clinical testing. Allele origin: germline.
Comment: In summary, the available evidence is currently insufficient to determine the role of this variant in disease. Therefore, it has been classified as a Variant of Uncertain Significance. Algorithms developed to predict the effect of missense changes on protein structure and function are either unavailable or do not agree on the potential impact of this missense change (SIFT: "Not Available"; PolyPhen-2: "Benign"; Align-GVGD: "Not Available"). ClinVar contains an entry for this variant (Variation ID: 948856). This variant has not been reported in the literature in individuals affected with WWOX-related conditions. This variant is not present in population databases (gnomAD no frequency). This sequence change replaces phenylalanine, which is neutral and non-polar, with tyrosine, which is neutral and polar, at codon 214 of the WWOX protein (p.Phe214Tyr).